The following is an entry in ClinVar:

NM_005032.7(PLS3):c.1627_1628del (p.Ser543fs)

Gene: PLS3 (plastin 3; plus strand). Cytogenetic location: Xq23.
Variant type: Microsatellite.
Coding change: c.1627_1628del on transcript NM_005032.7 (MANE Select); coding-DNA positions 1627 to 1628, 2 bases deleted (AG; older notation c.1627_1628delAG).
Protein change: p.Ser543fs; shifts the reading frame from serine 543.
Molecular consequence: frameshift variant.
Genome position (GRCh38, 1-based): chrX:115,647,665-115,647,666, AG deleted; deleting any 2 consecutive bases within chrX:115,647,663-115,647,666 gives the same sequence; the c. name uses the placement nearest the transcript's 3' end. VCF-style (leftmost placement, unchanged base first): chrX-115647662-CAG-C. GRCh37 (hg19) VCF-style: chrX-114881982-CAG-C.
Other names: c.1627_1628del, p.Ser543fs (NM_001136025.5, NM_001440791.1, NM_001440792.1); c.1546_1547del, p.Ser516fs (NM_001172335.3); c.1588_1589del, p.Ser530fs (NM_001282337.2); c.1492_1493del, p.Ser498fs (NM_001282338.2); short protein forms S498fs, S516fs, S543fs, S530fs.
Identifiers: ClinVar variation 4714830 (VCV004714830.1).

ClinVar aggregate classification (germline): Pathogenic (1 of 4 stars; one submission).

Submission:

Labcorp Genetics (formerly Invitae), Labcorp
Classification: Pathogenic. Last evaluated: 2025-03-10. Review status: criteria provided, single submitter. Criteria: Invitae Variant Classification Sherloc (09022015). Collection method: clinical testing. Allele origin: germline.
Comment: This sequence change creates a premature translational stop signal (p.Ser543Phefs*2) in the PLS3 gene. It is expected to result in an absent or disrupted protein product. Loss-of-function variants in PLS3 are known to be pathogenic (PMID: 24088043, 30405713, 33166085). This variant is not present in population databases (gnomAD no frequency). This variant has not been reported in the literature in individuals affected with PLS3-related conditions. For these reasons, this variant has been classified as Pathogenic.

Literature cited by the submitters: PubMed 24088043; PubMed 30405713; PubMed 33166085.